The following is an entry in ClinVar:

NM_016169.4(SUFU):c.528C>T (p.His176=)

Gene: SUFU (SUFU negative regulator of hedgehog signaling; plus strand). Cytogenetic location: 10q24.32.
Variant type: single nucleotide variant.
Coding change: c.528C>T on transcript NM_016169.4 (MANE Select); coding-DNA position 528, C replaced by T.
Protein change: p.His176=; no amino-acid change (histidine 176 retained).
Molecular consequence: synonymous variant.
Genome position (GRCh38, 1-based): chr10:102,592,655, C>T. VCF-style: chr10-102592655-C-T. GRCh37 (hg19) VCF-style: chr10-104352412-C-T.
Other names: c.528C>T, p.His176= (NM_001178133.2).
Identifiers: ClinVar variation 298572 (VCV000298572.47), dbSNP rs150569584, ClinGen allele CA5667703.

ClinVar aggregate classification (germline): Conflicting classifications of pathogenicity. Review status: criteria provided, conflicting classifications (1 of 4 stars). 8 submissions from 8 submitters: Uncertain significance (1); Benign (3); Likely benign (4). Last evaluated 2026-01-26.

Conditions:
Medulloblastoma (MDB). Also called: Medulloblastoma, somatic; MEDULLOBLASTOMA PREDISPOSITION SYNDROME. Identifiers: Orphanet 616, MedGen C0025149, MeSH D008527, MONDO:0007959, OMIM 155255, HP:0002885.
Gorlin syndrome. Also called: Basal cell nevus syndrome; Nevoid Basal Cell Carcinoma Syndrome. Identifiers: Orphanet 377, MedGen C0004779, MONDO:0007187.
Hereditary cancer-predisposing syndrome. Also called: Hereditary Cancer Syndrome; Tumor predisposition; Neoplastic Syndromes, Hereditary; Hereditary neoplastic syndrome. Identifiers: Orphanet 140162, MedGen C0027672, MeSH D009386, MONDO:0015356.

Allele frequency attached by ClinVar (database versions not stated): gnomAD exomes 0.00012 and 0.00034; ExAC 0.00031; 1000 Genomes Project 30x 0.00078; 1000 Genomes Project 0.00080; ESP Exome Variant Server 0.00115; gnomAD 0.00138 and 0.00148; TOPMed 0.00148.
gnomAD v4.1: 398 of 1,614,148 alleles (0.025%); highest among the groups gnomAD compares: African/African-American, 0.47%; 1 homozygote.

Submissions (8):

Labcorp Genetics (formerly Invitae), Labcorp
Classification: Benign for Gorlin syndrome; Medulloblastoma. Last evaluated: 2026-01-26. Review status: criteria provided, single submitter. Criteria: Invitae Variant Classification Sherloc (09022015). Collection method: clinical testing. Allele origin: germline.

Quest Diagnostics Nichols Institute San Juan Capistrano
Classification: Benign. Last evaluated: 2025-10-21. Review status: criteria provided, single submitter. Criteria: Quest Diagnostics criteria. Collection method: clinical testing. Allele origin: unknown.

CeGaT Center for Human Genetics Tuebingen
Classification: Likely benign. Last evaluated: 2025-07-01. Review status: criteria provided, single submitter. Criteria: CeGaT Center For Human Genetics Tuebingen Variant Classification Criteria Version 2. Collection method: clinical testing. Allele origin: germline. Affected: yes. Observed: 2 variant alleles.
Comment: SUFU: BP4, BS2

Blueprint Genetics
Classification: Likely benign. Last evaluated: 2024-11-22. Review status: criteria provided, single submitter. Criteria: ACMG Guidelines, 2015. Collection method: clinical testing. Allele origin: germline.

Ambry Genetics
Classification: Likely benign for Hereditary cancer-predisposing syndrome. Last evaluated: 2023-12-08. Review status: criteria provided, single submitter. Criteria: Ambry Variant Classification Scheme 2023. Collection method: clinical testing. Allele origin: germline.

Sema4
Classification: Benign for Hereditary cancer-predisposing syndrome. Last evaluated: 2020-10-29. Review status: criteria provided, single submitter. Criteria: Sema4 Curation Guidelines. Collection method: curation. Allele origin: germline.

GeneDx
Classification: Likely benign. Last evaluated: 2018-06-04. Review status: criteria provided, single submitter. Criteria: GeneDx Variant Classification (06012015). Collection method: clinical testing. Allele origin: germline. Affected: yes.
Comment: This variant is considered likely benign or benign based on one or more of the following criteria: it is a conservative change, it occurs at a poorly conserved position in the protein, it is predicted to be benign by multiple in silico algorithms, and/or has population frequency not consistent with disease.

Illumina Laboratory Services, Illumina
Classification: Uncertain significance for Medulloblastoma. Last evaluated: 2018-01-13. Review status: criteria provided, single submitter. Criteria: ICSL Variant Classification Criteria 13 December 2019. Collection method: clinical testing. Allele origin: germline.

Literature cited by the submitters: PubMed 36315513 (cited by Quest Diagnostics Nichols Institute San Juan Capistrano).